The following is an entry in ClinVar:

NM_004646.4(NPHS1):c.326A>G (p.Tyr109Cys)

Gene: NPHS1 (NPHS1 adhesion molecule, nephrin; minus strand). Cytogenetic location: 19q13.12.
Variant type: single nucleotide variant.
Coding change: c.326A>G on transcript NM_004646.4 (MANE Select); coding-DNA position 326, A replaced by G.
Protein change: p.Tyr109Cys; replaces tyrosine 109 with cysteine.
Molecular consequence: missense variant.
Genome position (GRCh38, 1-based): chr19:35,851,333, T>C on the plus strand (A>G on the coding strand, the complement: NPHS1 is on the minus strand). VCF-style: chr19-35851333-T-C. GRCh37 (hg19) VCF-style: chr19-36342235-T-C.
Other names: short protein forms Y109C.
Identifiers: ClinVar variation 4853899 (VCV004853899.1).

ClinVar aggregate classification (germline): Uncertain significance (1 of 4 stars; one submission).

Conditions:
Finnish congenital nephrotic syndrome (NPHS1). Also called: NEPHROTIC SYNDROME, TYPE 1. Identifiers: Orphanet 839, MedGen C0403399, MONDO:0009732, OMIM 256300.

gnomAD v4.1: 2 of 1,613,822 alleles (0.00012%); highest among the groups gnomAD compares: Non-Finnish European, 0.000085%; no homozygotes.

Submission:

3billion
Classification: Uncertain significance for Finnish congenital nephrotic syndrome. Last evaluated: 2025-05-23. Review status: criteria provided, single submitter. Criteria: ACMG Guidelines, 2015. Collection method: clinical testing. Allele origin: germline. Affected: yes.
Comment: The variant is observed at an extremely low frequency in the gnomAD v4.1.0 dataset (total allele frequency: <0.001%). Predicted Consequence/Location: Missense variant. The majority of the known disease-causing variants of this gene are variants expected to result in premature termination of the protein. In silico tool predictions suggest damaging effect of the variant on gene or gene product [REVEL: 0.78 (>=0.6, sensitivity 0.68 and specificity 0.92)]. Different missense changes at the same codon have been reported as of uncertain significance (ClinVar ID: VCV000554505, VCV003389701; 3billion dataset). Therefore, this variant is classified as VUS according to the recommendation of ACMG/AMP guideline.